The following is an entry in ClinVar:

NM_002880.4(RAF1):c.1930A>G (p.Arg644Gly)

Gene: RAF1 (Raf-1 proto-oncogene, serine/threonine kinase; minus strand). Cytogenetic location: 3p25.2.
Variant type: single nucleotide variant.
Coding change: c.1930A>G on transcript NM_002880.4 (MANE Select); coding-DNA position 1930, A replaced by G.
Protein change: p.Arg644Gly; replaces arginine 644 with glycine.
Molecular consequence: missense variant. On other transcripts: non-coding transcript variant (3).
Genome position (GRCh38, 1-based): chr3:12,584,531, T>C on the plus strand (A>G on the coding strand, the complement: RAF1 is on the minus strand). VCF-style: chr3-12584531-T-C. GRCh37 (hg19) VCF-style: chr3-12626030-T-C.
Other names: c.1990A>G, p.Arg664Gly (NM_001354689.3); c.1930A>G, p.Arg644Gly (NM_001354690.3); c.1687A>G, p.Arg563Gly (NM_001354691.3, NM_001354692.3); c.1831A>G, p.Arg611Gly (NM_001354693.3); c.1747A>G, p.Arg583Gly (NM_001354694.3); c.1588A>G, p.Arg530Gly (NM_001354695.3); short protein forms R530G, R563G, R611G, R644G, R664G, R583G.
Identifiers: ClinVar variation 3786599 (VCV003786599.2).

ClinVar aggregate classification (germline): Uncertain significance. Review status: criteria provided, multiple submitters, no conflicts (2 of 4 stars). 2 submissions from 2 submitters: Uncertain significance (2). Last evaluated 2025-12-23.

Conditions:
Cardiovascular phenotype. Identifiers: MedGen CN230736.
RASopathy. Also called: Noonan spectrum disorder; rasopathies. Identifiers: Orphanet 536391, MedGen C5555857, MONDO:0021060.

gnomAD v4.1: 13 of 1,614,006 alleles (0.00081%); highest among the groups gnomAD compares: Non-Finnish European, 0.0011%; no homozygotes.

Submissions (2):

Labcorp Genetics (formerly Invitae), Labcorp
Classification: Uncertain significance for RASopathy. Last evaluated: 2025-12-23. Review status: criteria provided, single submitter. Criteria: Invitae Variant Classification Sherloc (09022015). Collection method: clinical testing. Allele origin: germline.
Comment: This sequence change replaces arginine, which is basic and polar, with glycine, which is neutral and non-polar, at codon 644 of the RAF1 protein (p.Arg644Gly). This variant is present in population databases (rs753992423, gnomAD 0.002%). This variant has not been reported in the literature in individuals affected with RAF1-related conditions. ClinVar contains an entry for this variant (Variation ID: 3786599). Invitae Evidence Modeling incorporating data from in vitro experimental studies (internal data) did not meet the statistical confidence thresholds required to predict the impact of this variant on RAF1 function. In summary, the available evidence is currently insufficient to determine the role of this variant in disease. Therefore, it has been classified as a Variant of Uncertain Significance.

Ambry Genetics
Classification: Uncertain significance for Cardiovascular phenotype. Last evaluated: 2025-02-10. Review status: criteria provided, single submitter. Criteria: Ambry Variant Classification Scheme 2023. Collection method: clinical testing. Allele origin: germline.
Comment: The p.R644G variant (also known as c.1930A>G), located in coding exon 16 of the RAF1 gene, results from an A to G substitution at nucleotide position 1930. The arginine at codon 644 is replaced by glycine, an amino acid with dissimilar properties. This amino acid position is conserved. In addition, the in silico prediction for this alteration is inconclusive. Based on the available evidence, the clinical significance of this variant remains unclear.